The following is an entry in ClinVar:

ClinVar aggregate classification (germline): Pathogenic (1 of 4 stars; one submission).

Conditions:
Familial cancer of breast. Also called: BREAST CANCER, FAMILIAL; Hereditary breast cancer; hereditary breast carcinoma. Identifiers: Orphanet 227535, MedGen C0346153, MONDO:0016419, OMIM 114480. Disease mechanism: loss of function.

Submission:

Myriad Genetics, Inc.
Classification: Pathogenic for Familial cancer of breast. Last evaluated: 2024-01-17. Review status: criteria provided, single submitter. Criteria: Myriad Autosomal Dominant, Autosomal Recessive and X-Linked Classification Criteria (2023). Collection method: clinical testing. Allele origin: unknown.
Comment: This variant is considered pathogenic. This variant creates a termination codon and is predicted to result in premature protein truncation.

NM_000051.4(ATM):c.2360del (p.Cys786_Leu787insTer)

Gene: ATM (ATM serine/threonine kinase; plus strand). Cytogenetic location: 11q22.3.
Variant type: Deletion.
Coding change: c.2360del on transcript NM_000051.4 (MANE Select); coding-DNA position 2360, one base deleted (T; older notation c.2360delT).
Protein change: p.Cys786_Leu787insTer.
Molecular consequence: nonsense.
Genome position (GRCh38, 1-based): chr11:108,257,590, T deleted; the last of 2 consecutive T bases (chr11:108,257,589-108,257,590); deleting either gives the same sequence. VCF-style (leftmost placement, unchanged base first): chr11-108257588-CT-C. GRCh37 (hg19) VCF-style: chr11-108128315-CT-C.
Other names: c.2360del, p.Cys786_Leu787insTer (NM_001351834.2).
Identifiers: ClinVar variation 3148482 (VCV003148482.1), dbSNP rs2497388625, ClinGen allele CA2825001802.
Genomic context (GRCh38, chr11:108,257,588, plus strand): 5'-GACAAATGAGGAATTCAGAATTGGTTCCTTGAGAAATATGATGCAGCTATGTACACGTTG[CT>C]TGAGCAACTGTACCAAGGTAAGATTTTCTTCTTCTTGTTTTGTTTTTTGAGATAGGATCT-3'